The following is an entry in ClinVar:

NM_032383.5(HPS3):c.660_661del (p.Arg220fs)

Gene: HPS3 (HPS3 biogenesis of lysosomal organelles complex 2 subunit 1; plus strand). Cytogenetic location: 3q24.
Variant type: Microsatellite.
Coding change: c.660_661del on transcript NM_032383.5 (MANE Select); coding-DNA positions 660 to 661, 2 bases deleted (AG; older notation c.660_661delAG).
Protein change: p.Arg220fs; shifts the reading frame from arginine 220.
Molecular consequence: frameshift variant. On other transcripts: intron variant (1).
Genome position (GRCh38, 1-based): chr3:149,140,446-149,140,447, AG deleted; deleting any 2 consecutive bases within chr3:149,140,439-149,140,447 gives the same sequence; the c. name uses the placement nearest the transcript's 3' end. VCF-style (leftmost placement, unchanged base first): chr3-149140438-GGA-G. GRCh37 (hg19) VCF-style: chr3-148858225-GGA-G.
Other names: c.660_661delAG (NM_032383.4); c.218-578GA[3] (NM_001308258.2); short protein forms R220fs.
Identifiers: ClinVar variation 950927 (VCV000950927.10), dbSNP rs1363164647, ClinGen allele CA546935606.

ClinVar aggregate classification (germline): Pathogenic/Likely pathogenic. Review status: criteria provided, multiple submitters, no conflicts (2 of 4 stars). 4 submissions from 4 submitters: Pathogenic (1); Likely pathogenic (3). Last evaluated 2025-09-02.

Conditions:
Hermansky-Pudlak syndrome (HPS). Also called: ALBINISM WITH HEMORRHAGIC DIATHESIS AND PIGMENTED RETICULOENDOTHELIAL CELLS. Identifiers: Orphanet 79430, MedGen C0079504, MONDO:0019312.
Hermansky-Pudlak syndrome 3 (HPS3). Identifiers: Orphanet 231512, Orphanet 79430, MedGen C3888001, MONDO:0013555, OMIM 614072.

Submissions (4):

Natera, Inc.
Classification: Likely pathogenic for Hermansky-Pudlak syndrome. Last evaluated: 2025-09-02. Review status: criteria provided, single submitter. Criteria: Natera Variant Classification Schema (03/2026). Collection method: clinical testing. Allele origin: germline.
Comment: The c.660_661delAG variant in HPS3 is a frameshift variant predicted to shift the reading frame beginning at codon 220 and leads to a stop codon 7 codons downstream. This variant is expected to result in nonsense mediated decay, truncation, or a dysfunctional protein product. This variant is rare in the general population with a frequency below the threshold expected for the associated phenotype(s). Given the available evidence, this variant is classified as Likely Pathogenic.

Labcorp Genetics (formerly Invitae), Labcorp
Classification: Pathogenic. Last evaluated: 2025-08-18. Review status: criteria provided, single submitter. Criteria: Invitae Variant Classification Sherloc (09022015). Collection method: clinical testing. Allele origin: germline.
Comment: This sequence change creates a premature translational stop signal (p.Arg220Serfs*7) in the HPS3 gene. It is expected to result in an absent or disrupted protein product. Loss-of-function variants in HPS3 are known to be pathogenic (PMID: 11590544). This variant is present in population databases (no rsID available, gnomAD 0.003%). This variant has not been reported in the literature in individuals affected with HPS3-related conditions. ClinVar contains an entry for this variant (Variation ID: 950927). For these reasons, this variant has been classified as Pathogenic.

Baylor Genetics
Classification: Likely pathogenic for Hermansky-Pudlak syndrome 3. Last evaluated: 2023-07-26. Review status: criteria provided, single submitter. Criteria: ACMG Guidelines, 2015. Collection method: clinical testing. Allele origin: unknown.

Fulgent Genetics
Classification: Likely pathogenic for Hermansky-Pudlak syndrome 3. Last evaluated: 2021-11-18. Review status: criteria provided, single submitter. Criteria: ACMG Guidelines, 2015. Collection method: clinical testing. Allele origin: unknown.

Literature cited by the submitters: PubMed 11590544 (cited by Labcorp Genetics (formerly Invitae), Labcorp).